The following is an entry in ClinVar:

ClinVar aggregate classification (germline): Pathogenic/Likely pathogenic. Review status: criteria provided, multiple submitters, no conflicts (2 of 4 stars). 2 submissions from 2 submitters: Pathogenic (1); Likely pathogenic (1). Last evaluated 2025-11-26.

Conditions:
Trichohepatoenteric syndrome 1 (THES1). Also called: DIARRHEA, FATAL INFANTILE, WITH TRICHORRHEXIS NODOSA. Identifiers: Orphanet 84064, MedGen C4551982, MONDO:0024541, OMIM 222470.

Allele frequency attached by ClinVar (database versions not stated): ExAC 0.00002; gnomAD exomes 0.00002 and 0.00011; TOPMed 0.00002; ESP Exome Variant Server 0.00008.
gnomAD v4.1: 163 of 1,613,764 alleles (0.01%); highest among the groups gnomAD compares: Non-Finnish European, 0.014%; no homozygotes.

Submissions (2):

Labcorp Genetics (formerly Invitae), Labcorp
Classification: Pathogenic. Last evaluated: 2025-11-26. Review status: criteria provided, single submitter. Criteria: Invitae Variant Classification Sherloc (09022015). Collection method: clinical testing. Allele origin: germline.
Comment: This sequence change creates a premature translational stop signal (p.Tyr458*) in the TTC37 gene. It is expected to result in an absent or disrupted protein product. Loss-of-function variants in TTC37 are known to be pathogenic (PMID: 20176027, 21120949). This variant is present in population databases (rs373796916, gnomAD 0.005%). This premature translational stop signal has been observed in individual(s) with trichohepatoenteric syndrome (PMID: 29527791). ClinVar contains an entry for this variant (Variation ID: 1455116). Algorithms developed to predict the effect of sequence changes on RNA splicing suggest that this variant may disrupt the consensus splice site. For these reasons, this variant has been classified as Pathogenic.

Fulgent Genetics
Classification: Likely pathogenic for Trichohepatoenteric syndrome 1. Last evaluated: 2021-10-27. Review status: criteria provided, single submitter. Criteria: ACMG Guidelines, 2015. Collection method: clinical testing. Allele origin: unknown.

Literature cited by the submitters: PubMed 20176027 (cited by Labcorp Genetics (formerly Invitae), Labcorp); PubMed 21120949 (cited by Labcorp Genetics (formerly Invitae), Labcorp); PubMed 29527791 (cited by Labcorp Genetics (formerly Invitae), Labcorp).

NM_014639.4(SKIC3):c.1374C>G (p.Tyr458Ter)

Gene: SKIC3 (SKI3 subunit of superkiller complex; minus strand). Cytogenetic location: 5q15.
Variant type: single nucleotide variant.
Coding change: c.1374C>G on transcript NM_014639.4 (MANE Select); coding-DNA position 1374, C replaced by G.
Protein change: p.Tyr458Ter; replaces tyrosine 458 with a stop codon.
Molecular consequence: nonsense.
Genome position (GRCh38, 1-based): chr5:95,524,543, G>C on the plus strand (C>G on the coding strand, the complement: SKIC3 is on the minus strand). VCF-style: chr5-95524543-G-C. GRCh37 (hg19) VCF-style: chr5-94860247-G-C.
Other names: short protein forms Y458*.
Identifiers: ClinVar variation 1455116 (VCV001455116.9), dbSNP rs373796916, ClinGen allele CA3347342.